The following is an entry in ClinVar:

ClinVar aggregate classification (germline): Uncertain significance (1 of 4 stars; one submission).

Allele frequency attached by ClinVar (database versions not stated): TOPMed below 0.00001; gnomAD 0.00001.
gnomAD v4.1: 1 of 1,587,080 alleles (0.000063%); highest among the groups gnomAD compares: Non-Finnish European, 0.000086%; no homozygotes.

Submission:

Labcorp Genetics (formerly Invitae), Labcorp
Classification: Uncertain significance. Last evaluated: 2022-05-21. Review status: criteria provided, single submitter. Criteria: Invitae Variant Classification Sherloc (09022015). Collection method: clinical testing. Allele origin: germline.
Comment: This sequence change replaces asparagine, which is neutral and polar, with tyrosine, which is neutral and polar, at codon 608 of the SCLT1 protein (p.Asn608Tyr). This variant is not present in population databases (gnomAD no frequency). This variant has not been reported in the literature in individuals affected with SCLT1-related conditions. Algorithms developed to predict the effect of missense changes on protein structure and function are either unavailable or do not agree on the potential impact of this missense change (SIFT: "Tolerated"; PolyPhen-2: "Possibly Damaging"; Align-GVGD: "Class C0"). In summary, the available evidence is currently insufficient to determine the role of this variant in disease. Therefore, it has been classified as a Variant of Uncertain Significance.

NM_144643.4(SCLT1):c.1822A>T (p.Asn608Tyr)

Gene: SCLT1 (sodium channel and clathrin linker 1; minus strand). Cytogenetic location: 4q28.2.
Variant type: single nucleotide variant.
Coding change: c.1822A>T on transcript NM_144643.4 (MANE Select); coding-DNA position 1822, A replaced by T.
Protein change: p.Asn608Tyr; replaces asparagine 608 with tyrosine.
Molecular consequence: missense variant.
Genome position (GRCh38, 1-based): chr4:128,936,662, T>A on the plus strand (A>T on the coding strand, the complement: SCLT1 is on the minus strand). VCF-style: chr4-128936662-T-A. GRCh37 (hg19) VCF-style: chr4-129857817-T-A.
Other names: short protein forms N608Y.
Identifiers: ClinVar variation 1970731 (VCV001970731.2), dbSNP rs1737208790, ClinGen allele CA358183441.